The following is an entry in ClinVar:

NM_001282531.3(ADNP):c.674G>A (p.Arg225Gln)

Gene: ADNP (activity dependent neuroprotector homeobox; minus strand). Cytogenetic location: 20q13.13.
Variant type: single nucleotide variant.
Coding change: c.674G>A on transcript NM_001282531.3 (MANE Select); coding-DNA position 674, G replaced by A.
Protein change: p.Arg225Gln; replaces arginine 225 with glutamine.
Molecular consequence: missense variant.
Genome position (GRCh38, 1-based): chr20:50,894,040, C>T on the plus strand (G>A on the coding strand, the complement: ADNP is on the minus strand). VCF-style: chr20-50894040-C-T. GRCh37 (hg19) VCF-style: chr20-49510577-C-T.
Other names: c.674G>A, p.Arg225Gln (NM_001282532.2, NM_001347511.2, NM_015339.5 and 1 more transcripts); c.674G>A (NM_001282531.2); short protein forms R225Q.
Identifiers: ClinVar variation 2099963 (VCV002099963.5), dbSNP rs758615541, ClinGen allele CA9908846.
Genomic context (GRCh38, chr20:50,894,040, plus strand): 5'-TCATGGTCTTCGATGACATGCTGTACCAAAGCTTCATAGGACTTTGGCATGAAAAGGCAT[C>T]GCTTGCAGTGAATACTACTCTCTTCTCGGGCATTCGAGCCTAAGGGGACTGCCCCATTGA-3'
Protein context (NP_001269460.1, residues 215-235): AREESSIHCK[Arg225Gln]CLFMPKSYEA

ClinVar aggregate classification (germline): Likely benign. Review status: criteria provided, multiple submitters, no conflicts (2 of 4 stars). 2 submissions from 2 submitters: Likely benign (2). Last evaluated 2024-12-12.

Conditions:
ADNP-related disorder. Also called: ADNP-related condition.

Allele frequency attached by ClinVar (database versions not stated): gnomAD exomes below 0.00001; ExAC 0.00001; TOPMed 0.00002.
gnomAD v4.1: 6 of 1,614,208 alleles (0.00037%); highest among the groups gnomAD compares: Non-Finnish European, 0.00051%; no homozygotes.

Submissions (2):

PreventionGenetics, part of Exact Sciences
Classification: Likely benign for ADNP-related condition. Last evaluated: 2024-12-12. Review status: criteria provided, single submitter. Criteria: ACMG Guidelines, 2015. Collection method: clinical testing. Allele origin: germline.
Comment: This variant is classified as likely benign based on ACMG/AMP sequence variant interpretation guidelines (Richards et al. 2015 PMID: 25741868, with internal and published modifications).

Labcorp Genetics (formerly Invitae), Labcorp
Classification: Likely benign. Last evaluated: 2023-08-17. Review status: criteria provided, single submitter. Criteria: Invitae Variant Classification Sherloc (09022015). Collection method: clinical testing. Allele origin: germline.